The following is an entry in ClinVar:

ClinVar aggregate classification (germline): Uncertain significance. Review status: criteria provided, multiple submitters, no conflicts (2 of 4 stars). 5 submissions from 5 submitters: Uncertain significance (5). Last evaluated 2024-11-15.

Conditions:
Complement component 6 deficiency (C6D). Also called: C6 DEFICIENCY. Identifiers: MedGen C2676232, MONDO:0012908, OMIM 612446.
Inborn genetic diseases. Identifiers: MedGen C0950123, MeSH D030342.

Allele frequency attached by ClinVar (database versions not stated): 1000 Genomes Project 30x 0.00031; 1000 Genomes Project 0.00040; ExAC 0.00040; ESP Exome Variant Server 0.00046; gnomAD 0.00048 and 0.00049; gnomAD exomes 0.00048; TOPMed 0.00061.
gnomAD v4.1: 1,174 of 1,613,666 alleles (0.073%); highest among the groups gnomAD compares: Non-Finnish European, 0.092%; 1 homozygote.

Submissions (5):

Blueprint Genetics
Classification: Uncertain significance. Last evaluated: 2024-11-15. Review status: criteria provided, single submitter. Criteria: ACMG Guidelines, 2015. Collection method: clinical testing. Allele origin: germline.

Labcorp Genetics (formerly Invitae), Labcorp
Classification: Uncertain significance. Last evaluated: 2022-10-13. Review status: criteria provided, single submitter. Criteria: Invitae Variant Classification Sherloc (09022015). Collection method: clinical testing. Allele origin: germline.
Comment: This sequence change replaces aspartic acid, which is acidic and polar, with histidine, which is basic and polar, at codon 667 of the C6 protein (p.Asp667His). This variant is present in population databases (rs184169749, gnomAD 0.08%), and has an allele count higher than expected for a pathogenic variant. This variant has not been reported in the literature in individuals affected with C6-related conditions. ClinVar contains an entry for this variant (Variation ID: 809752). Algorithms developed to predict the effect of missense changes on protein structure and function are either unavailable or do not agree on the potential impact of this missense change (SIFT: "Tolerated"; PolyPhen-2: "Possibly Damaging"; Align-GVGD: "Class C0"). Algorithms developed to predict the effect of sequence changes on RNA splicing suggest that this variant may disrupt the consensus splice site. In summary, the available evidence is currently insufficient to determine the role of this variant in disease. Therefore, it has been classified as a Variant of Uncertain Significance.

Fulgent Genetics
Classification: Uncertain significance for Complement component 6 deficiency. Last evaluated: 2021-11-29. Review status: criteria provided, single submitter. Criteria: ACMG Guidelines, 2015. Collection method: clinical testing. Allele origin: unknown.

Ambry Genetics
Classification: Uncertain significance for Inborn genetic diseases. Last evaluated: 2021-07-09. Review status: criteria provided, single submitter. Criteria: Ambry Variant Classification Scheme 2023. Collection method: clinical testing. Allele origin: germline.

CeGaT Center for Human Genetics Tuebingen
Classification: Uncertain significance. Last evaluated: 2018-04-01. Review status: criteria provided, single submitter. Criteria: CeGaT Center For Human Genetics Tuebingen Variant Classification Criteria Version 2. Collection method: clinical testing. Allele origin: germline. Affected: yes. Observed: 1 variant allele.

NM_000065.5(C6):c.1999G>C (p.Asp667His)

Gene: C6 (complement C6; minus strand). Cytogenetic location: 5p13.1.
Variant type: single nucleotide variant.
Coding change: c.1999G>C on transcript NM_000065.5 (MANE Select); coding-DNA position 1999, G replaced by C.
Protein change: p.Asp667His; replaces aspartic acid 667 with histidine.
Molecular consequence: missense variant.
Genome position (GRCh38, 1-based): chr5:41,155,074, C>G on the plus strand (G>C on the coding strand, the complement: C6 is on the minus strand). VCF-style: chr5-41155074-C-G. GRCh37 (hg19) VCF-style: chr5-41155176-C-G.
Other names: c.1999G>C, p.Asp667His (NM_001115131.4); c.1999G>C (NM_000065.2); short protein forms D667H.
Identifiers: ClinVar variation 809752 (VCV000809752.48), dbSNP rs184169749, ClinGen allele CA3252242.
Genomic context (GRCh38, chr5:41,155,074, plus strand): 5'-AGCATCTGAAGTACTGGTATCCAACAGTTTCAAAGCCAGTAAGGCATGAAATTTCAACAT[C>G]TTCTCCAACCAAGTATAGTTGCTTTTCATTCTTAATTAAAGCAGAAACCAGAAATTATTA-3'
Protein context (NP_000056.2, residues 657-677): NEKQLYLVGE[Asp667His]VEISCLTGFE